The following is an entry in ClinVar:

ClinVar aggregate classification (germline): Uncertain significance. Review status: criteria provided, multiple submitters, no conflicts (2 of 4 stars). 2 submissions from 2 submitters: Uncertain significance (2). Last evaluated 2025-12-15.

Conditions:
Wolcott-Rallison dysplasia. Also called: Wolcott-Rallison syndrome; MED-IDDM SYNDROME. Identifiers: Orphanet 1667, MedGen C0432217, MONDO:0009192, OMIM 226980.

Submissions (2):

Labcorp Genetics (formerly Invitae), Labcorp
Classification: Uncertain significance. Last evaluated: 2025-12-15. Review status: criteria provided, single submitter. Criteria: Invitae Variant Classification Sherloc (09022015). Collection method: clinical testing. Allele origin: germline.
Comment: This variant, c.1097_1099del, results in the deletion of 1 amino acid(s) of the EIF2AK3 protein (p.Asp366del), but otherwise preserves the integrity of the reading frame. This variant is present in population databases (rs747505731, gnomAD 0.05%). This variant has not been reported in the literature in individuals affected with EIF2AK3-related conditions. Experimental studies and prediction algorithms are not available or were not evaluated, and the functional significance of this variant is currently unknown. In summary, the available evidence is currently insufficient to determine the role of this variant in disease. Therefore, it has been classified as a Variant of Uncertain Significance.

Fulgent Genetics
Classification: Uncertain significance for Wolcott-Rallison dysplasia. Last evaluated: 2022-04-02. Review status: criteria provided, single submitter. Criteria: ACMG Guidelines, 2015. Collection method: clinical testing. Allele origin: unknown.

NM_004836.7(EIF2AK3):c.1091ATG[2] (p.Asp366del)

Gene: EIF2AK3 (eukaryotic translation initiation factor 2 alpha kinase 3; minus strand). Cytogenetic location: 2p11.2.
Variant type: Microsatellite.
Coding change: c.1091ATG[2] on transcript NM_004836.7 (MANE Select); two copies in a row of the 3-base unit ATG starting at c.1091; the reference has three copies in a row; one copy, 3 bases deleted; also written c.1097_1099del.
Protein change: p.Asp366del; deletes aspartic acid 366.
Molecular consequence: inframe deletion.
Genome position (GRCh38, 1-based): chr2:88,590,509-88,590,511, CAT deleted on the plus strand (ATG on the coding strand, the reverse complement: EIF2AK3 is on the minus strand); deleting any 3 consecutive bases within chr2:88,590,509-88,590,517 gives the same sequence; the position shown is the placement nearest the transcript's 3' end. VCF-style (leftmost placement, unchanged base first): chr2-88590508-ACAT-A. GRCh37 (hg19) VCF-style: chr2-88890026-ACAT-A.
Other names: c.638ATG[2], p.Asp215del (NM_001313915.2); c.1097_1099del (NM_004836.7); short protein forms D366del, D215del.
Identifiers: ClinVar variation 1497271 (VCV001497271.6), dbSNP rs747505731, ClinGen allele CA1754770.